The following is an entry in ClinVar:

NM_002336.3(LRP6):c.1738G>A (p.Ala580Thr)

Gene: LRP6 (LDL receptor related protein 6; minus strand). Cytogenetic location: 12p13.2.
Variant type: single nucleotide variant.
Coding change: c.1738G>A on transcript NM_002336.3 (MANE Select); coding-DNA position 1738, G replaced by A.
Protein change: p.Ala580Thr; replaces alanine 580 with threonine.
Molecular consequence: missense variant.
Genome position (GRCh38, 1-based): chr12:12,165,103, C>T on the plus strand (G>A on the coding strand, the complement: LRP6 is on the minus strand). VCF-style: chr12-12165103-C-T. GRCh37 (hg19) VCF-style: chr12-12318037-C-T.
Other names: short protein forms A580T.
Identifiers: ClinVar variation 1483033 (VCV001483033.6), dbSNP rs2136952250, ClinGen allele CA383946965.
Genomic context (GRCh38, chr12:12,165,103, plus strand): 5'-GGTTCCCATTTCTAAGAAAGCTTTGGAGTTACTCACCAATCACTCGATGAACATTTGTAG[C>T]CTTTAGGCCCATGAGGTCAGGCAGCTGATCTATGATCACTTCCCTCTCTGCACTTCGTTT-3'
Protein context (NP_002327.2, residues 570-590): DQLPDLMGLK[Ala580Thr]TNVHRVIGSN

ClinVar aggregate classification (germline): Uncertain significance (1 of 4 stars; one submission).

Allele frequency attached by ClinVar (database versions not stated): gnomAD exomes below 0.00001.

Submission:

Labcorp Genetics (formerly Invitae), Labcorp
Classification: Uncertain significance. Last evaluated: 2021-10-20. Review status: criteria provided, single submitter. Criteria: Invitae Variant Classification Sherloc (09022015). Collection method: clinical testing. Allele origin: germline.
Comment: This sequence change replaces alanine with threonine at codon 580 of the LRP6 protein (p.Ala580Thr). The alanine residue is highly conserved and there is a small physicochemical difference between alanine and threonine. This variant is not present in population databases (ExAC no frequency). This variant has not been reported in the literature in individuals affected with LRP6-related conditions. Algorithms developed to predict the effect of missense changes on protein structure and function (SIFT, PolyPhen-2, Align-GVGD) all suggest that this variant is likely to be disruptive. In summary, the available evidence is currently insufficient to determine the role of this variant in disease. Therefore, it has been classified as a Variant of Uncertain Significance.